The following is an entry in ClinVar:

NM_020975.6(RET):c.2129A>G (p.Lys710Arg)

Gene: RET (ret proto-oncogene; plus strand). Cytogenetic location: 10q11.21.
Variant type: single nucleotide variant.
Coding change: c.2129A>G on transcript NM_020975.6 (MANE Select); coding-DNA position 2129, A replaced by G.
Protein change: p.Lys710Arg; replaces lysine 710 with arginine.
Molecular consequence: missense variant.
Genome position (GRCh38, 1-based): chr10:43,114,729, A>G. VCF-style: chr10-43114729-A-G. GRCh37 (hg19) VCF-style: chr10-43610177-A-G.
Other names: c.2129A>G, p.Lys710Arg (NM_000323.2, NM_001406743.1, NM_001406744.1 and 4 more transcripts); c.1367A>G, p.Lys456Arg (NM_001355216.2); c.1691A>G, p.Lys564Arg (NM_001406771.1, NM_001406773.1); c.1733A>G, p.Lys578Arg (NM_001406772.1, NM_001406769.1); c.1604A>G, p.Lys535Arg (NM_001406774.1); c.1403A>G, p.Lys468Arg (NM_001406775.1, NM_001406776.1, NM_001406777.1 and 1 more transcripts); c.1232A>G, p.Lys411Arg (NM_001406779.1, NM_001406780.1, NM_001406781.1 and 1 more transcripts); c.944A>G, p.Lys315Arg (NM_001406790.1, NM_001406788.1, NM_001406789.1); and 10 more; short protein forms K710R, K456R, K227R, K380R, K564R, K614R, K366R, K371R.
Identifiers: ClinVar variation 580338 (VCV000580338.33), dbSNP rs774983492, ClinGen allele CA037409.
Genomic context (GRCh38, chr10:43,114,729, plus strand): 5'-CCGGTGCCCGCCGGCCCTCGCTGGACTCCATGGAGAACCAGGTCTCCGTGGATGCCTTCA[A>G]GATCCTGGTGAGGGTCCCTGCGGGGCAGGGAAGATCCCCTGCCCTCCCCAGCTGCCTTCC-3'
Protein context (NP_066124.1, residues 700-720): MENQVSVDAF[Lys710Arg]ILEDPKWEFP

ClinVar aggregate classification (germline): Conflicting classifications of pathogenicity. Review status: criteria provided, conflicting classifications (1 of 4 stars). 15 submissions from 12 submitters: Uncertain significance (14); Likely benign (1). Last evaluated 2025-10-07.

Conditions:
Hereditary cancer-predisposing syndrome. Also called: Neoplastic Syndromes, Hereditary; Hereditary Cancer Syndrome; Tumor predisposition; Hereditary neoplastic syndrome. Identifiers: Orphanet 140162, MedGen C0027672, MeSH D009386, MONDO:0015356.
Pheochromocytoma. Also called: MAX-Related Hereditary Paraganglioma-Pheochromocytoma Syndrome. Identifiers: Orphanet 29072, MedGen C0031511, MONDO:0008233, OMIM 171300, HP:0002666.
Familial medullary thyroid carcinoma (MTC). Also called: Thyroid cancer, familial medullary; MTC, familial; Familial Medullary Thyroid Carcinoma (FMTC). Identifiers: Orphanet 653, Orphanet 99361, MedGen C1833921, MONDO:0007958, OMIM 155240.
Multiple endocrine neoplasia type 2B. Also called: Multiple endocrine neoplasia, type 3; MULTIPLE ENDOCRINE NEOPLASIA, TYPE IIB; MUCOSAL NEUROMA SYNDROME; MEN 2B; Multiple Endocrine Neoplasia Type 2B (MEN2B); MEN IIB. Identifiers: Orphanet 247709, Orphanet 653, MedGen C0025269, MeSH D018814, MONDO:0008082, OMIM 162300.
Multiple endocrine neoplasia type 2A. Also called: MULTIPLE ENDOCRINE NEOPLASIA, TYPE IIA; PTC SYNDROME; SIPPLE SYNDROME; MEN 2A; MEN-2A syndrome; Pheochromocytoma and amyloid producing medullary thyroid carcinoma. Identifiers: Orphanet 247698, Orphanet 653, MedGen C0025268, MeSH D018813, MONDO:0008234, OMIM 171400.
Hirschsprung disease, susceptibility to, 1 (HSCR1). Also called: RET-Related Hirschsprung Disease. Identifiers: Orphanet 388, MedGen C3888239, MONDO:0007723, OMIM 142623.
Multiple endocrine neoplasia. Identifiers: Orphanet 276161, MedGen C0027662, MONDO:0017169.
Multiple endocrine neoplasia, type 2 (MEN2). Identifiers: Orphanet 653, MedGen C4048306, MONDO:0019003. Disease mechanism: gain of function.
Renal hypodysplasia/aplasia 1 (RHDA1). Also called: HEREDITARY RENAL APLASIA; RENAL APLASIA. Identifiers: Orphanet 411709, MedGen C1619700, MONDO:0024519, OMIM 191830.

Allele frequency attached by ClinVar (database versions not stated): TOPMed below 0.00001; gnomAD exomes 0.00001; ExAC 0.00002.
gnomAD v4.1: 11 of 1,609,908 alleles (0.00068%); highest among the groups gnomAD compares: Non-Finnish European, 0.00093%; no homozygotes.

Submissions (15):

Color Diagnostics, LLC DBA Color Health
Classification: Uncertain significance for Multiple endocrine neoplasia, type 2. Last evaluated: 2025-10-07. Review status: criteria provided, single submitter. Criteria: ACMG Guidelines, 2015. Collection method: clinical testing. Allele origin: germline.
Comment: This missense variant replaces lysine with arginine at codon 710 of the RET protein. Computational prediction is inconclusive regarding the impact of this variant on protein structure and function. To our knowledge, functional studies have not been reported for this variant. This variant has been reported in an individual affected with medullary thyroid cancer (PMID: 33167350). This variant has been identified in 2/245064 chromosomes in the general population by the Genome Aggregation Database (gnomAD). The available evidence is insufficient to determine the role of this variant in disease conclusively. Therefore, this variant is classified as a Variant of Uncertain Significance.

Labcorp Genetics (formerly Invitae), Labcorp
Classification: Uncertain significance for Multiple endocrine neoplasia, type 2. Last evaluated: 2025-09-24. Review status: criteria provided, single submitter. Criteria: Invitae Variant Classification Sherloc (09022015). Collection method: clinical testing. Allele origin: germline.
Comment: This sequence change replaces lysine, which is basic and polar, with arginine, which is basic and polar, at codon 710 of the RET protein (p.Lys710Arg). This variant is present in population databases (rs774983492, gnomAD 0.002%). This missense change has been observed in individual(s) with medulloblastoma (PMID: 26580448). ClinVar contains an entry for this variant (Variation ID: 580338). An algorithm developed to predict the effect of missense changes on protein structure and function (PolyPhen-2) suggests that this variant is likely to be disruptive. In summary, the available evidence is currently insufficient to determine the role of this variant in disease. Therefore, it has been classified as a Variant of Uncertain Significance.

Blueprint Genetics
Classification: Uncertain significance. Last evaluated: 2024-10-03. Review status: criteria provided, single submitter. Criteria: ACMG Guidelines, 2015. Collection method: clinical testing. Allele origin: germline.

Quest Diagnostics Nichols Institute San Juan Capistrano
Classification: Uncertain significance. Last evaluated: 2024-07-09. Review status: criteria provided, single submitter. Criteria: Quest Diagnostics criteria. Collection method: clinical testing. Allele origin: unknown.
Comment: The RET c.2129A>G (p.Lys710Arg) variant has been reported in the published literature in an individual with medulloblastoma (PMID: 26580448 (2015)). The frequency of this variant in the general population, 0.000018 (2/111276 chromosomes (Genome Aggregation Database)), is uninformative in the assessment of its pathogenicity. Analysis of this variant using bioinformatics tools for the prediction of the effect of amino acid changes on protein structure and function yielded predictions that this variant is damaging. Based on the available information, we are unable to determine the clinical significance of this variant.

Ambry Genetics
Classification: Likely benign for Hereditary cancer-predisposing syndrome. Last evaluated: 2024-02-23. Review status: criteria provided, single submitter. Criteria: Ambry Variant Classification Scheme 2023. Collection method: clinical testing. Allele origin: germline.

Baylor Genetics
Classification: Uncertain significance for Hirschsprung disease, susceptibility to, 1. Last evaluated: 2023-10-24. Review status: criteria provided, single submitter. Criteria: ACMG Guidelines, 2015. Collection method: clinical testing. Allele origin: unknown.

GeneDx
Classification: Uncertain significance. Last evaluated: 2023-09-19. Review status: criteria provided, single submitter. Criteria: GeneDx Variant Classification Process June 2021. Collection method: clinical testing. Allele origin: germline. Affected: yes.
Comment: Not observed at significant frequency in large population cohorts (gnomAD); In silico analysis supports that this missense variant does not alter protein structure/function; This variant is associated with the following publications: (PMID: 31159747, 33167350, 26580448)

All of Us Research Program, National Institutes of Health
Classification: Uncertain significance for Multiple endocrine neoplasia, type 2. Last evaluated: 2023-09-17. Review status: criteria provided, single submitter. Criteria: ACMG Guidelines, 2015. Collection method: clinical testing. Allele origin: germline. Inheritance: Autosomal dominant inheritance. Observed: 7 variant alleles, 7 heterozygotes.
Comment: This missense variant replaces lysine with arginine at codon 710 of the RET protein. Computational prediction is inconclusive regarding the impact of this variant on protein structure and function (internally defined REVEL score threshold 0.5 < inconclusive < 0.7, PMID: 27666373). To our knowledge, functional studies have not been reported for this variant. This variant has been reported in an individual affected with medullary thyroid cancer (PMID: 33167350). This variant has been identified in 2/245064 chromosomes in the general population by the Genome Aggregation Database (gnomAD). The available evidence is insufficient to determine the role of this variant in disease conclusively. Therefore, this variant is classified as a Variant of Uncertain Significance.

This study involves interpretation of variants in research participants for the purpose of population health screening. Participant phenotype was not available at the time of variant classification. Additional details can be found in publication PMID: 35346344, PMCID: PMC8962531

Fulgent Genetics
Classification: Uncertain significance for Hirschsprung disease, susceptibility to, 1; Familial medullary thyroid carcinoma; Multiple endocrine neoplasia type 2B; Pheochromocytoma; Multiple endocrine neoplasia type 2A. Last evaluated: 2022-05-31. Review status: criteria provided, single submitter. Criteria: ACMG Guidelines, 2015. Collection method: clinical testing. Allele origin: unknown.

GeneKor MSA
Classification: Uncertain significance for Hereditary cancer-predisposing syndrome. Last evaluated: 2018-08-01. Review status: criteria provided, single submitter. Criteria: ACMG Guidelines, 2015. Collection method: clinical testing. Allele origin: germline. Affected: yes.

Mendelics
Classification: Uncertain significance for Multiple endocrine neoplasia, type 2a. Last evaluated: 2018-07-02. Review status: criteria provided, single submitter. Criteria: Mendelics Assertion Criteria 2017. Collection method: clinical testing. Allele origin: unknown.

Illumina Laboratory Services, Illumina
Classification: Uncertain significance for Multiple endocrine neoplasia. Last evaluated: 2017-04-28. Review status: criteria provided, single submitter. Criteria: ICSL Variant Classification Criteria 13 December 2019. Collection method: clinical testing. Allele origin: germline.

Illumina Laboratory Services, Illumina
Classification: Uncertain significance for Pheochromocytoma. Last evaluated: 2017-04-28. Review status: criteria provided, single submitter. Criteria: ICSL Variant Classification Criteria 13 December 2019. Collection method: clinical testing. Allele origin: germline.

Illumina Laboratory Services, Illumina
Classification: Uncertain significance for Renal hypodysplasia/aplasia 1. Last evaluated: 2017-04-28. Review status: criteria provided, single submitter. Criteria: ICSL Variant Classification Criteria 13 December 2019. Collection method: clinical testing. Allele origin: germline.

Illumina Laboratory Services, Illumina
Classification: Uncertain significance for Hirschsprung disease, susceptibility to, 1. Last evaluated: 2017-04-28. Review status: criteria provided, single submitter. Criteria: ICSL Variant Classification Criteria 13 December 2019. Collection method: clinical testing. Allele origin: germline.

Literature cited by the submitters: PubMed 33167350 (cited by 3 submitters); PubMed 26580448 (cited by 3 submitters); PubMed 31159747 (cited by Quest Diagnostics Nichols Institute San Juan Capistrano and Ambry Genetics).